The following is an entry in ClinVar:

NM_005097.4(LGI1):c.1459T>C (p.Tyr487His)

Gene: LGI1 (leucine rich glioma inactivated 1; plus strand). Cytogenetic location: 10q23.33.
Variant type: single nucleotide variant.
Coding change: c.1459T>C on transcript NM_005097.4 (MANE Select); coding-DNA position 1459, T replaced by C.
Protein change: p.Tyr487His; replaces tyrosine 487 with histidine.
Molecular consequence: missense variant. On other transcripts: non-coding transcript variant (1), intron variant (1).
Genome position (GRCh38, 1-based): chr10:93,797,588, T>C. VCF-style: chr10-93797588-T-C. GRCh37 (hg19) VCF-style: chr10-95557345-T-C.
Other names: c.1315T>C, p.Tyr439His (NM_001308276.2); c.839-161T>C (NM_001308275.2); short protein forms Y487H, Y439H.
Identifiers: ClinVar variation 1486020 (VCV001486020.10), dbSNP rs748991956, ClinGen allele CA5611272.

ClinVar aggregate classification (germline): Conflicting classifications of pathogenicity. Review status: criteria provided, conflicting classifications (1 of 4 stars). 2 submissions from 2 submitters: Uncertain significance (1); Likely benign (1). Last evaluated 2025-02-10.

Conditions:
Autosomal dominant epilepsy with auditory features. Identifiers: Orphanet 101046, MedGen C1838062, MONDO:0010898.
Inborn genetic diseases. Identifiers: MedGen C0950123, MeSH D030342.

Allele frequency attached by ClinVar (database versions not stated): gnomAD exomes 0.00001 and 0.00004; gnomAD 0.00003; TOPMed 0.00003; ExAC 0.00004.
gnomAD v4.1: 19 of 1,613,990 alleles (0.0012%); highest among the groups gnomAD compares: Admixed American, 0.02%; no homozygotes.

Submissions (2):

Labcorp Genetics (formerly Invitae), Labcorp
Classification: Uncertain significance for Autosomal dominant epilepsy with auditory features. Last evaluated: 2025-02-10. Review status: criteria provided, single submitter. Criteria: Invitae Variant Classification Sherloc (09022015). Collection method: clinical testing. Allele origin: germline.
Comment: This sequence change replaces tyrosine, which is neutral and polar, with histidine, which is basic and polar, at codon 487 of the LGI1 protein (p.Tyr487His). This variant is present in population databases (rs748991956, gnomAD 0.02%). This variant has not been reported in the literature in individuals affected with LGI1-related conditions. ClinVar contains an entry for this variant (Variation ID: 1486020). Invitae Evidence Modeling of protein sequence and biophysical properties (such as structural, functional, and spatial information, amino acid conservation, physicochemical variation, residue mobility, and thermodynamic stability) indicates that this missense variant is not expected to disrupt LGI1 protein function with a negative predictive value of 80%. In summary, the available evidence is currently insufficient to determine the role of this variant in disease. Therefore, it has been classified as a Variant of Uncertain Significance.

Ambry Genetics
Classification: Likely benign for Inborn genetic diseases. Last evaluated: 2020-03-17. Review status: criteria provided, single submitter. Criteria: Ambry Variant Classification Scheme 2023. Collection method: clinical testing. Allele origin: germline.